The following is an entry in ClinVar:

ClinVar aggregate classification (germline): Conflicting classifications of pathogenicity. Review status: criteria provided, conflicting classifications (1 of 4 stars). 2 submissions from 2 submitters: Likely pathogenic (1); Uncertain significance (1). Last evaluated 2023-08-04.

Conditions:
Hereditary spastic paraplegia 3A (SPG3A). Also called: SPASTIC PARAPLEGIA 3, AUTOSOMAL DOMINANT; FAMILIAL SPASTIC PARAPLEGIA, AUTOSOMAL DOMINANT, 1; SPG3; STRUMPELL DISEASE; Spastic Paraplegia 3A; Spastic paraplegia 3A, autosomal dominant. Identifiers: Orphanet 100984, MedGen C2931355, MONDO:0008437, OMIM 182600.

Submissions (2):

Labcorp Genetics (formerly Invitae), Labcorp
Classification: Likely pathogenic for Hereditary spastic paraplegia 3A. Last evaluated: 2023-08-04. Review status: criteria provided, single submitter. Criteria: Invitae Variant Classification Sherloc (09022015). Collection method: clinical testing. Allele origin: germline.
Comment: This sequence change replaces serine, which is neutral and polar, with tyrosine, which is neutral and polar, at codon 179 of the ATL1 protein (p.Ser179Tyr). This variant is not present in population databases (gnomAD no frequency). This missense change has been observed in individual(s) with ATL1-related conditions (Invitae). In at least one individual the variant was observed to be de novo. ClinVar contains an entry for this variant (Variation ID: 538581). Advanced modeling of protein sequence and biophysical properties (such as structural, functional, and spatial information, amino acid conservation, physicochemical variation, residue mobility, and thermodynamic stability) has been performed at Invitae for this missense variant, however the output from this modeling did not meet the statistical confidence thresholds required to predict the impact of this variant on ATL1 protein function. In summary, the currently available evidence indicates that the variant is pathogenic, but additional data are needed to prove that conclusively. Therefore, this variant has been classified as Likely Pathogenic.

Mayo Clinic Laboratories, Mayo Clinic
Classification: Uncertain significance. Last evaluated: 2023-06-01. Review status: criteria provided, single submitter. Criteria: ACMG Guidelines, 2015. Collection method: clinical testing. Allele origin: germline. Observed: 1 variant allele.
Comment: PM2

Literature cited by the submitters: PubMed 34715294 (cited by Mayo Clinic Laboratories, Mayo Clinic).

NM_015915.5(ATL1):c.536C>A (p.Ser179Tyr)

Gene: ATL1 (atlastin GTPase 1; plus strand). Cytogenetic location: 14q22.1.
Variant type: single nucleotide variant.
Coding change: c.536C>A on transcript NM_015915.5 (MANE Select); coding-DNA position 536, C replaced by A.
Protein change: p.Ser179Tyr; replaces serine 179 with tyrosine.
Molecular consequence: missense variant.
Genome position (GRCh38, 1-based): chr14:50,593,859, C>A. VCF-style: chr14-50593859-C-A. GRCh37 (hg19) VCF-style: chr14-51060577-C-A.
Other names: p.Ser179Tyr; c.536C>A, p.Ser179Tyr (NM_001127713.1, NM_181598.4); short protein forms S179Y.
Identifiers: ClinVar variation 538581 (VCV000538581.5), dbSNP rs1555364149, ClinGen allele CA389668085.